The following is an entry in ClinVar:

NM_001267550.2(TTN):c.102289del (p.Thr34096_Leu34097insTer)

Genes: TTN (titin; minus strand), TTN-AS1 (TTN antisense RNA 1; plus strand). Cytogenetic location: 2q31.2.
Variant type: Deletion.
Coding change: c.102289del on transcript NM_001267550.2 (MANE Select); coding-DNA position 102289, one base deleted (C; older notation c.102289delC).
Protein change: p.Thr34096_Leu34097insTer.
Molecular consequence: nonsense.
Genome position (GRCh38, 1-based): chr2:178,534,326, G deleted on the plus strand (C on the coding strand, the reverse complement: TTN is on the minus strand); the first of 3 consecutive G bases (chr2:178,534,326-178,534,328); deleting any one gives the same sequence. VCF-style (leftmost placement, unchanged base first): chr2-178534325-AG-A. GRCh37 (hg19) VCF-style: chr2-179399052-AG-A.
Other names: c.97366del, p.Thr32455_Leu32456insTer (NM_001256850.1); c.75094del, p.Thr25031_Leu25032insTer (NM_003319.4); c.94585del, p.Thr31528_Leu31529insTer (NM_133378.4); c.75469del, p.Thr25156_Leu25157insTer (NM_133432.3); c.75670del, p.Thr25223_Leu25224insTer (NM_133437.4); c.102289del (NM_001267550.1).
Identifiers: ClinVar variation 1481825 (VCV001481825.9), dbSNP rs2154135814, ClinGen allele CA2573134094.

ClinVar aggregate classification (germline): Likely pathogenic. Review status: criteria provided, multiple submitters, no conflicts (2 of 4 stars). 2 submissions from 2 submitters: Likely pathogenic (2). Last evaluated 2026-01-31.

Conditions:
Dilated cardiomyopathy 1G (CMD1G). Identifiers: Orphanet 154, MedGen C1858763, MONDO:0011400, OMIM 604145.
Autosomal recessive limb-girdle muscular dystrophy type 2J (LGMDR10). Also called: Limb-girdle muscular dystrophy, type 2J; MUSCULAR DYSTROPHY, LIMB-GIRDLE, AUTOSOMAL RECESSIVE 10. Identifiers: Orphanet 140922, MedGen C1837342, MONDO:0012127, OMIM 608807.

Submissions (2):

GeneDx
Classification: Likely pathogenic. Last evaluated: 2026-01-31. Review status: criteria provided, single submitter. Criteria: GeneDx Variant Classification Process June 2021. Collection method: clinical testing. Allele origin: germline.
Comment: Nonsense variant predicted to result in protein truncation or nonsense mediated decay in a gene for which loss of function is a known mechanism of disease; Located in the M-band, a region of TTN for which truncating variants are significantly associated with autosomal recessive skeletal myopathies and also with autosomal dominant cardiomyopathy (PMID: 17444505, 32778822, 36637017); Not observed at significant frequency in large population cohorts (gnomAD); Has not been previously published as pathogenic or benign to our knowledge; This variant is associated with the following publications: (PMID: 17444505)

Labcorp Genetics (formerly Invitae), Labcorp
Classification: Likely pathogenic for Dilated cardiomyopathy 1G; Autosomal recessive limb-girdle muscular dystrophy type 2J. Last evaluated: 2025-12-03. Review status: criteria provided, single submitter. Criteria: Invitae Variant Classification Sherloc (09022015). Collection method: clinical testing. Allele origin: germline.
Comment: This sequence change creates a premature translational stop signal (p.Leu34097*) in the TTN gene. While this is not anticipated to result in nonsense mediated decay, it is expected to create a truncated TTN protein. This variant is not present in population databases (gnomAD no frequency). This variant has not been reported in the literature in individuals affected with TTN-related conditions. ClinVar contains an entry for this variant (Variation ID: 1481825). This variant is located in the M band of TTN (PMID: 25589632). Truncating variants in this region have been previously reported in individuals affected with autosomal dominant or autosomal recessive myopathy and muscular dystrophy (PMID: 18948003, 23975875, 24395473). Truncating variants in this region have also been identified in individuals affected with autosomal dominant dilated cardiomyopathy and/or cardio-related conditions (PMID: 27869827, 32964742, internal data). In summary, the currently available evidence indicates that the variant is pathogenic, but additional data are needed to prove that conclusively. Therefore, this variant has been classified as Likely Pathogenic.

Literature cited by the submitters: PubMed 25589632 (cited by Labcorp Genetics (formerly Invitae), Labcorp); PubMed 18948003 (cited by Labcorp Genetics (formerly Invitae), Labcorp); PubMed 23975875 (cited by Labcorp Genetics (formerly Invitae), Labcorp); PubMed 24395473 (cited by Labcorp Genetics (formerly Invitae), Labcorp); PubMed 27869827 (cited by Labcorp Genetics (formerly Invitae), Labcorp); PubMed 32964742 (cited by Labcorp Genetics (formerly Invitae), Labcorp).